The following is an entry in ClinVar:

ClinVar aggregate classification (germline): Likely benign. Review status: criteria provided, multiple submitters, no conflicts (2 of 4 stars). 4 submissions from 4 submitters: Likely benign (4). Last evaluated 2026-01-13.

Allele frequency attached by ClinVar (database versions not stated): gnomAD 0.00004; gnomAD exomes 0.00004; TOPMed 0.00008; ExAC 0.00011.
gnomAD v4.1: 69 of 1,614,078 alleles (0.0043%); highest among the groups gnomAD compares: East Asian, 0.069%; no homozygotes.

Submissions (4):

Labcorp Genetics (formerly Invitae), Labcorp
Classification: Likely benign. Last evaluated: 2026-01-13. Review status: criteria provided, single submitter. Criteria: Invitae Variant Classification Sherloc (09022015). Collection method: clinical testing. Allele origin: germline.

Blueprint Genetics
Classification: Likely benign. Last evaluated: 2024-10-17. Review status: criteria provided, single submitter. Criteria: ACMG Guidelines, 2015. Collection method: clinical testing. Allele origin: germline.

Athena Diagnostics
Classification: Likely benign. Last evaluated: 2024-05-14. Review status: criteria provided, single submitter. Criteria: Athena Diagnostics Criteria. Collection method: clinical testing. Allele origin: unknown.

CeGaT Center for Human Genetics Tuebingen
Classification: Likely benign. Last evaluated: 2022-11-01. Review status: criteria provided, single submitter. Criteria: CeGaT Center For Human Genetics Tuebingen Variant Classification Criteria Version 2. Collection method: clinical testing. Allele origin: germline. Affected: yes. Observed: 1 variant allele.
Comment: ANO10: BP4, BP7

NM_018075.5(ANO10):c.1474T>C (p.Leu492=)

Gene: ANO10 (anoctamin 10; minus strand). Cytogenetic location: 3p22.1.
Variant type: single nucleotide variant.
Coding change: c.1474T>C on transcript NM_018075.5 (MANE Select); coding-DNA position 1474, T replaced by C.
Protein change: p.Leu492=; no amino-acid change (leucine 492 retained).
Molecular consequence: synonymous variant.
Genome position (GRCh38, 1-based): chr3:43,561,222, A>G on the plus strand (T>C on the coding strand, the complement: ANO10 is on the minus strand). VCF-style: chr3-43561222-A-G. GRCh37 (hg19) VCF-style: chr3-43602714-A-G.
Other names: c.1474T>C, p.Leu492= (NM_001204831.3, NM_001346463.2, NM_001346464.2 and 3 more transcripts); c.1276T>C, p.Leu426= (NM_001204832.3, NM_001346466.2, NM_001346469.2); c.1141T>C, p.Leu381= (NM_001204833.3); c.904T>C, p.Leu302= (NM_001204834.3); c.1474T>C (NM_018075.3).
Identifiers: ClinVar variation 1675912 (VCV001675912.30), dbSNP rs756760212, ClinGen allele CA2340771.